The following is an entry in ClinVar:

NM_032888.4(COL27A1):c.4351G>C (p.Gly1451Arg)

Gene: COL27A1 (collagen type XXVII alpha 1 chain; plus strand). Cytogenetic location: 9q32.
Variant type: single nucleotide variant.
Coding change: c.4351G>C on transcript NM_032888.4 (MANE Select); coding-DNA position 4351, G replaced by C.
Protein change: p.Gly1451Arg; replaces glycine 1451 with arginine.
Molecular consequence: missense variant.
Genome position (GRCh38, 1-based): chr9:114,290,314, G>C. VCF-style: chr9-114290314-G-C. GRCh37 (hg19) VCF-style: chr9-117052594-G-C.
Other names: c.4351G>C (NM_032888.3); short protein forms G1451R.
Identifiers: ClinVar variation 1515324 (VCV001515324.7), dbSNP rs761876047, ClinGen allele CA374588059.

ClinVar aggregate classification (germline): Uncertain significance. Review status: criteria provided, multiple submitters, no conflicts (2 of 4 stars). 2 submissions from 2 submitters: Uncertain significance (2). Last evaluated 2024-04-17.

gnomAD v4.1: 8 of 1,580,554 alleles (0.00051%); highest among the groups gnomAD compares: Non-Finnish European, 0.00069%; no homozygotes.

Submissions (2):

Labcorp Genetics (formerly Invitae), Labcorp
Classification: Uncertain significance. Last evaluated: 2024-04-17. Review status: criteria provided, single submitter. Criteria: Invitae Variant Classification Sherloc (09022015). Collection method: clinical testing. Allele origin: germline.
Comment: This sequence change replaces glycine, which is neutral and non-polar, with arginine, which is basic and polar, at codon 1451 of the COL27A1 protein (p.Gly1451Arg). This variant is not present in population databases (gnomAD no frequency). This variant has not been reported in the literature in individuals affected with COL27A1-related conditions. ClinVar contains an entry for this variant (Variation ID: 1515324). Advanced modeling of protein sequence and biophysical properties (such as structural, functional, and spatial information, amino acid conservation, physicochemical variation, residue mobility, and thermodynamic stability) performed at Invitae indicates that this missense variant is expected to disrupt COL27A1 protein function with a positive predictive value of 80%. In summary, the available evidence is currently insufficient to determine the role of this variant in disease. Therefore, it has been classified as a Variant of Uncertain Significance.

Women's Health and Genetics/Laboratory Corporation of America, LabCorp
Classification: Uncertain significance. Last evaluated: 2023-08-10. Review status: criteria provided, single submitter. Criteria: LabCorp Variant Classification Summary - May 2015. Collection method: clinical testing. Allele origin: germline.